The following is an entry in ClinVar:

ClinVar aggregate classification (germline): Uncertain significance (1 of 4 stars; one submission).

gnomAD v4.1: 1 of 1,613,692 alleles (0.000062%); no homozygotes.

Submission:

Labcorp Genetics (formerly Invitae), Labcorp
Classification: Uncertain significance. Last evaluated: 2023-06-12. Review status: criteria provided, single submitter. Criteria: Invitae Variant Classification Sherloc (09022015). Collection method: clinical testing. Allele origin: germline.
Comment: This sequence change affects codon 318 of the IGF1R mRNA. It is a 'silent' change, meaning that it does not change the encoded amino acid sequence of the IGF1R protein. It affects a nucleotide within the consensus splice site. This variant is not present in population databases (gnomAD no frequency). This variant has not been reported in the literature in individuals affected with IGF1R-related conditions. Algorithms developed to predict the effect of sequence changes on RNA splicing suggest that this variant is not likely to affect RNA splicing. In summary, the available evidence is currently insufficient to determine the role of this variant in disease. Therefore, it has been classified as a Variant of Uncertain Significance.

NM_000875.5(IGF1R):c.954C>T (p.Ser318=)

Genes: IGF1R (insulin like growth factor 1 receptor; plus strand), LOC126862245 (P300/CBP strongly-dependent group 1 enhancer GRCh37_chr15:99439536-99440735; plus strand). Cytogenetic location: 15q26.3.
Variant type: single nucleotide variant.
Coding change: c.954C>T on transcript NM_000875.5 (MANE Select); coding-DNA position 954, C replaced by T.
Protein change: p.Ser318=; no amino-acid change (serine 318 retained).
Molecular consequence: synonymous variant.
Genome position (GRCh38, 1-based): chr15:98,896,757, C>T. VCF-style: chr15-98896757-C-T. GRCh37 (hg19) VCF-style: chr15-99439986-C-T.
Other names: c.954C>T, p.Ser318= (NM_001291858.2).
Identifiers: ClinVar variation 2977764 (VCV002977764.3), dbSNP rs2151652101, ClinGen allele CA492319028.